The following is an entry in ClinVar:

ClinVar aggregate classification (germline): Uncertain significance (1 of 4 stars; one submission).

Allele frequency attached by ClinVar (database versions not stated): gnomAD exomes 0.00001 and 0.00003; TOPMed 0.00001; ExAC 0.00002.
gnomAD v4.1: 20 of 1,592,478 alleles (0.0013%); highest among the groups gnomAD compares: Admixed American, 0.0087%; no homozygotes.

Submission:

Labcorp Genetics (formerly Invitae), Labcorp
Classification: Uncertain significance. Last evaluated: 2024-08-07. Review status: criteria provided, single submitter. Criteria: Invitae Variant Classification Sherloc (09022015). Collection method: clinical testing. Allele origin: germline.
Comment: This sequence change replaces asparagine, which is neutral and polar, with serine, which is neutral and polar, at codon 68 of the ERBB2 protein (p.Asn68Ser). This variant is present in population databases (rs757899978, gnomAD 0.01%). This variant has not been reported in the literature in individuals affected with ERBB2-related conditions. ClinVar contains an entry for this variant (Variation ID: 1448658). Advanced modeling of protein sequence and biophysical properties (such as structural, functional, and spatial information, amino acid conservation, physicochemical variation, residue mobility, and thermodynamic stability) performed at Invitae indicates that this missense variant is not expected to disrupt ERBB2 protein function with a negative predictive value of 80%. In summary, the available evidence is currently insufficient to determine the role of this variant in disease. Therefore, it has been classified as a Variant of Uncertain Significance.

NM_004448.4(ERBB2):c.203A>G (p.Asn68Ser)

Gene: ERBB2 (erb-b2 receptor tyrosine kinase 2; plus strand). Cytogenetic location: 17q12.
Variant type: single nucleotide variant.
Coding change: c.203A>G on transcript NM_004448.4 (MANE Select); coding-DNA position 203, A replaced by G.
Protein change: p.Asn68Ser; replaces asparagine 68 with serine.
Molecular consequence: missense variant. On other transcripts: non-coding transcript variant (1), intron variant (1).
Genome position (GRCh38, 1-based): chr17:39,707,119, A>G. VCF-style: chr17-39707119-A-G. GRCh37 (hg19) VCF-style: chr17-37863372-A-G.
Other names: c.113A>G, p.Asn38Ser (NM_001005862.3, NM_001289938.2, NM_001382782.1 and 1 more transcripts); c.158A>G, p.Asn53Ser (NM_001289936.2); c.203A>G, p.Asn68Ser (NM_001289937.2, NM_001382784.1, NM_001382785.1 and 20 more transcripts); c.74-4809A>G (NM_001382804.1); short protein forms N38S, N68S, N53S.
Identifiers: ClinVar variation 1448658 (VCV001448658.6), dbSNP rs757899978, ClinGen allele CA8533549.